The following is an entry in ClinVar:

NM_025193.4(HSD3B7):c.970C>T (p.Leu324=)

Gene: HSD3B7 (hydroxy-delta-5-steroid dehydrogenase, 3 beta- and steroid delta-isomerase 7; plus strand). Cytogenetic location: 16p11.2.
Variant type: single nucleotide variant.
Coding change: c.970C>T on transcript NM_025193.4 (MANE Select); coding-DNA position 970, C replaced by T.
Protein change: p.Leu324=; no amino-acid change (leucine 324 retained).
Molecular consequence: synonymous variant. On other transcripts: 3 prime UTR variant (2).
Genome position (GRCh38, 1-based): chr16:30,988,043, C>T. VCF-style: chr16-30988043-C-T. GRCh37 (hg19) VCF-style: chr16-30999364-C-T.
Other names: c.*216C>T (NM_001142777.2, NM_001142778.2).
Identifiers: ClinVar variation 3036602 (VCV003036602.2), dbSNP rs995313834, ClinGen allele CA280563280.

ClinVar aggregate classification (germline): Likely benign (0 of 4 stars; one submission).

Conditions:
HSD3B7-related disorder. Also called: HSD3B7-related condition.

Allele frequency attached by ClinVar (database versions not stated): gnomAD exomes below 0.00001; gnomAD 0.00001; TOPMed 0.00002.
gnomAD v4.1: 5 of 1,606,914 alleles (0.00031%); highest among the groups gnomAD compares: African/African-American, 0.004%; no homozygotes.

Submission:

PreventionGenetics, part of Exact Sciences
Classification: Likely benign for HSD3B7-related condition. Last evaluated: 2020-06-02. Review status: no assertion criteria provided. Collection method: clinical testing. Allele origin: germline.
Comment: This variant is classified as likely benign based on ACMG/AMP sequence variant interpretation guidelines (Richards et al. 2015 PMID: 25741868, with internal and published modifications).